The following is an entry in ClinVar:

ClinVar aggregate classification (germline): Uncertain significance (1 of 4 stars; one submission).

Conditions:
Charcot-Marie-Tooth disease type 2. Also called: Charcot-Marie-Tooth type 2. Identifiers: Orphanet 64746, MedGen C0270914, MONDO:0018993.

gnomAD v4.1: 1 of 1,614,174 alleles (0.000062%); highest among the groups gnomAD compares: Non-Finnish European, 0.000085%; no homozygotes.

Submission:

Labcorp Genetics (formerly Invitae), Labcorp
Classification: Uncertain significance for Charcot-Marie-Tooth disease type 2. Last evaluated: 2021-12-08. Review status: criteria provided, single submitter. Criteria: Invitae Variant Classification Sherloc (09022015). Collection method: clinical testing. Allele origin: germline.
Comment: In summary, the available evidence is currently insufficient to determine the role of this variant in disease. Therefore, it has been classified as a Variant of Uncertain Significance. Algorithms developed to predict the effect of missense changes on protein structure and function are either unavailable or do not agree on the potential impact of this missense change (SIFT: "Deleterious"; PolyPhen-2: "Benign"; Align-GVGD: "Class C0"). This variant has not been reported in the literature in individuals affected with AARS-related conditions. This variant is present in population databases (no rsID available, gnomAD 0.0009%). This sequence change replaces methionine, which is neutral and non-polar, with isoleucine, which is neutral and non-polar, at codon 242 of the AARS protein (p.Met242Ile).

NM_001605.3(AARS1):c.726G>C (p.Met242Ile)

Gene: AARS1 (alanyl-tRNA synthetase 1; minus strand). Cytogenetic location: 16q22.1.
Variant type: single nucleotide variant.
Coding change: c.726G>C on transcript NM_001605.3 (MANE Select); coding-DNA position 726, G replaced by C.
Protein change: p.Met242Ile; replaces methionine 242 with isoleucine.
Molecular consequence: missense variant.
Genome position (GRCh38, 1-based): chr16:70,270,286, C>G on the plus strand (G>C on the coding strand, the complement: AARS1 is on the minus strand). VCF-style: chr16-70270286-C-G. GRCh37 (hg19) VCF-style: chr16-70304189-C-G.
Other names: short protein forms M242I.
Identifiers: ClinVar variation 1682285 (VCV001682285.6), dbSNP rs780360628, ClinGen allele CA396565520.